The following is an entry in ClinVar:

NM_001363711.2(DUOX2):c.4552G>C (p.Gly1518Arg)

Gene: DUOX2 (dual oxidase 2; minus strand). Cytogenetic location: 15q21.1.
Variant type: single nucleotide variant.
Coding change: c.4552G>C on transcript NM_001363711.2 (MANE Select); coding-DNA position 4552, G replaced by C.
Protein change: p.Gly1518Arg; replaces glycine 1518 with arginine.
Molecular consequence: missense variant.
Genome position (GRCh38, 1-based): chr15:45,094,245, C>G on the plus strand (G>C on the coding strand, the complement: DUOX2 is on the minus strand). VCF-style: chr15-45094245-C-G. GRCh37 (hg19) VCF-style: chr15-45386443-C-G.
Other names: c.4552G>C (NM_014080.4); c.4552G>C, p.Gly1518Arg (NM_014080.5); short protein forms G1518R.
Identifiers: ClinVar variation 3339932 (VCV003339932.2).

ClinVar aggregate classification (germline): Conflicting classifications of pathogenicity. Review status: criteria provided, conflicting classifications (1 of 4 stars). 2 submissions from 2 submitters: Likely pathogenic (1); Uncertain significance (1). Last evaluated 2024-06-20.

Conditions:
Thyroid dyshormonogenesis 6 (TDH6). Also called: Genetic transient congenital hypothyroidism; HYPOTHYROIDISM, CONGENITAL, DUE TO DYSHORMONOGENESIS, 6; THYROID HORMONOGENESIS, GENETIC DEFECT IN, 6. Identifiers: Orphanet 226316, Orphanet 95716, MedGen C1846632, MONDO:0011792, OMIM 607200.

gnomAD v4.1: 2 of 1,614,074 alleles (0.00012%); highest among the groups gnomAD compares: Non-Finnish European, 0.000085%; no homozygotes.

Submissions (2):

Fulgent Genetics
Classification: Likely pathogenic for Thyroid dyshormonogenesis 6. Last evaluated: 2024-06-20. Review status: criteria provided, single submitter. Criteria: ACMG Guidelines, 2015. Collection method: clinical testing. Allele origin: germline.

Women's Health and Genetics/Laboratory Corporation of America, LabCorp
Classification: Uncertain significance. Last evaluated: 2024-06-20. Review status: criteria provided, single submitter. Criteria: LabCorp Variant Classification Summary - May 2015. Collection method: clinical testing. Allele origin: germline.
Comment: Variant summary: DUOX2 c.4552G>C (p.Gly1518Arg) results in a non-conservative amino acid change located in the Ferric reductase, NAD binding domain (IPR013121) of the encoded protein sequence. Five of five in-silico tools predict a damaging effect of the variant on protein function. The variant was absent in 249892 control chromosomes. The available data on variant occurrences in the general population are insufficient to allow any conclusion about variant significance. To our knowledge, no occurrence of c.4552G>C in individuals affected with Thyroid Dyshormonogenesis 6 and no experimental evidence demonstrating its impact on protein function have been reported. No submitters have cited clinical-significance assessments for this variant to ClinVar. Based on the evidence outlined above, the variant was classified as uncertain significance.